The following is an entry in ClinVar:

NM_005732.4(RAD50):c.236G>A (p.Arg79Lys)

Gene: RAD50 (RAD50 double strand break repair protein; plus strand). Cytogenetic location: 5q31.1.
Variant type: single nucleotide variant.
Coding change: c.236G>A on transcript NM_005732.4 (MANE Select); coding-DNA position 236, G replaced by A.
Protein change: p.Arg79Lys; replaces arginine 79 with lysine.
Molecular consequence: missense variant.
Genome position (GRCh38, 1-based): chr5:132,575,799, G>A. VCF-style: chr5-132575799-G-A. GRCh37 (hg19) VCF-style: chr5-131911491-G-A.
Other names: short protein forms R79K.
Identifiers: ClinVar variation 860526 (VCV000860526.11), dbSNP rs1750385905, ClinGen allele CA360930290.

ClinVar aggregate classification (germline): Uncertain significance. Review status: criteria provided, multiple submitters, no conflicts (2 of 4 stars). 2 submissions from 2 submitters: Uncertain significance (2). Last evaluated 2023-11-22.

Conditions:
Hereditary cancer-predisposing syndrome. Also called: Tumor predisposition; Hereditary neoplastic syndrome; Neoplastic Syndromes, Hereditary; Hereditary Cancer Syndrome. Identifiers: Orphanet 140162, MedGen C0027672, MeSH D009386, MONDO:0015356.

Submissions (2):

Ambry Genetics
Classification: Uncertain significance for Hereditary cancer-predisposing syndrome. Last evaluated: 2023-11-22. Review status: criteria provided, single submitter. Criteria: Ambry Variant Classification Scheme 2023. Collection method: clinical testing. Allele origin: germline.
Comment: The p.R79K variant (also known as c.236G>A), located in coding exon 3 of the RAD50 gene, results from a G to A substitution at nucleotide position 236. The arginine at codon 79 is replaced by lysine, an amino acid with highly similar properties. This amino acid position is conserved. In addition, this alteration is predicted to be tolerated by in silico analysis. Since supporting evidence is limited at this time, the clinical significance of this alteration remains unclear.

Labcorp Genetics (formerly Invitae), Labcorp
Classification: Uncertain significance for Hereditary cancer-predisposing syndrome. Last evaluated: 2020-03-31. Review status: criteria provided, single submitter. Criteria: Invitae Variant Classification Sherloc (09022015). Collection method: clinical testing. Allele origin: germline.
Comment: In summary, the available evidence is currently insufficient to determine the role of this variant in disease. Therefore, it has been classified as a Variant of Uncertain Significance. Algorithms developed to predict the effect of missense changes on protein structure and function output the following: SIFT: "Tolerated"; PolyPhen-2: "Benign"; Align-GVGD: "Class C0". The lysine amino acid residue is found in multiple mammalian species, suggesting that this missense change does not adversely affect protein function. These predictions have not been confirmed by published functional studies and their clinical significance is uncertain. This variant has not been reported in the literature in individuals with RAD50-related conditions. This variant is not present in population databases (ExAC no frequency). This sequence change replaces arginine with lysine at codon 79 of the RAD50 protein (p.Arg79Lys). The arginine residue is moderately conserved and there is a small physicochemical difference between arginine and lysine.